The following is an entry in ClinVar:

NM_001123385.2(BCOR):c.1242G>A (p.Ala414=)

Genes: BCOR (BCL6 corepressor; minus strand), LOC126863239 (MED14-independent group 3 enhancer GRCh37_chrX:39932994-39934193; plus strand). Cytogenetic location: Xp11.4.
Variant type: single nucleotide variant.
Coding change: c.1242G>A on transcript NM_001123385.2 (MANE Select); coding-DNA position 1242, G replaced by A.
Protein change: p.Ala414=; no amino-acid change (alanine 414 retained).
Molecular consequence: synonymous variant.
Genome position (GRCh38, 1-based): chrX:40,074,104, C>T on the plus strand (G>A on the coding strand, the complement: BCOR is on the minus strand). VCF-style: chrX-40074104-C-T. GRCh37 (hg19) VCF-style: chrX-39933357-C-T.
Other names: c.1242G>A, p.Ala414= (NM_001123383.2, NM_001123384.2, NM_017745.6).
Identifiers: ClinVar variation 1167171 (VCV001167171.10), dbSNP rs146423227, ClinGen allele CA10386945.

ClinVar aggregate classification (germline): Benign/Likely benign. Review status: criteria provided, multiple submitters, no conflicts (2 of 4 stars). 3 submissions from 3 submitters: Benign (1); Likely benign (1). 1 of the submissions does not count toward it. Last evaluated 2025-05-25.

Conditions:
Oculofaciocardiodental syndrome (MCOPS2). Identifiers: Orphanet 2712, MedGen C1846265, MONDO:0010261, OMIM 300166.
BCOR-related disorder. Also called: BCOR-related disorders; BCOR-related condition.

Allele frequency attached by ClinVar (database versions not stated): gnomAD 0.00010; gnomAD exomes 0.00015; ESP Exome Variant Server 0.00019; 1000 Genomes Project 30x 0.00021; ExAC 0.00023; 1000 Genomes Project 0.00026.
gnomAD v4.1: 145 of 1,211,100 alleles (0.012%); highest among the groups gnomAD compares: East Asian, 0.018%; no homozygotes.

Submissions (3):

Labcorp Genetics (formerly Invitae), Labcorp
Classification: Benign for Oculofaciocardiodental syndrome. Last evaluated: 2025-05-25. Review status: criteria provided, single submitter. Criteria: Invitae Variant Classification Sherloc (09022015). Collection method: clinical testing. Allele origin: germline.

Blueprint Genetics
Classification: Likely benign. Last evaluated: 2024-09-03. Review status: criteria provided, single submitter. Criteria: ACMG Guidelines, 2015. Collection method: clinical testing. Allele origin: germline.

PreventionGenetics, part of Exact Sciences
Classification: Likely benign for BCOR-related condition. Last evaluated: 2021-03-25. Review status: no assertion criteria provided. Collection method: clinical testing. Allele origin: germline. Not counted in ClinVar's aggregate classification.
Comment: This variant is classified as likely benign based on ACMG/AMP sequence variant interpretation guidelines (Richards et al. 2015 PMID: 25741868, with internal and published modifications).